The following is an entry in ClinVar:

NM_000199.5(SGSH):c.437T>C (p.Leu146Pro)

Gene: SGSH (N-sulfoglucosamine sulfohydrolase; minus strand). Cytogenetic location: 17q25.3.
Variant type: single nucleotide variant.
Coding change: c.437T>C on transcript NM_000199.5 (MANE Select); coding-DNA position 437, T replaced by C.
Protein change: p.Leu146Pro; replaces leucine 146 with proline.
Molecular consequence: missense variant. On other transcripts: non-coding transcript variant (1).
Genome position (GRCh38, 1-based): chr17:80,214,684, A>G on the plus strand (T>C on the coding strand, the complement: SGSH is on the minus strand). VCF-style: chr17-80214684-A-G. GRCh37 (hg19) VCF-style: chr17-78188483-A-G.
Other names: c.437T>C, p.Leu146Pro (NM_001352921.3, NM_001352922.2); short protein forms L146P.
Identifiers: ClinVar variation 552534 (VCV000552534.9), dbSNP rs749358773, ClinGen allele CA8818015.

ClinVar aggregate classification (germline): Conflicting classifications of pathogenicity. Review status: criteria provided, conflicting classifications (1 of 4 stars). 5 submissions from 5 submitters: Likely pathogenic (3); Uncertain significance (1). 1 of the submissions does not count toward it. Last evaluated 2026-02-17.

Conditions:
Mucopolysaccharidosis, MPS-III-A (MPS3A). Also called: SANFILIPPO SYNDROME A; SULFAMIDASE DEFICIENCY; MPS III A; MUCOPOLYSACCHARIDOSIS, TYPE IIIA, ATTENUATED; Mucopolysaccharidosis type IIIA (Sanfilippo A); MPS IIIA (Sanfilippo Syndrome Type A). Identifiers: Orphanet 581, Orphanet 79269, MedGen C0086647, MONDO:0009655, OMIM 252900.

Allele frequency attached by ClinVar (database versions not stated): gnomAD exomes below 0.00001 and 0.00001; TOPMed below 0.00001; ExAC 0.00001.

Submissions (5):

Myriad Genetics, Inc.
Classification: Likely pathogenic for Mucopolysaccharidosis, MPS-III-A. Last evaluated: 2026-02-17. Review status: criteria provided, single submitter. Criteria: Myriad Autosomal Dominant, Autosomal Recessive and X-Linked Classification Criteria (2023). Collection method: clinical testing. Allele origin: unknown.
Comment: NM_000199.3(SGSH):c.437T>C(L146P) is a missense variant classified as likely pathogenic in the context of mucopolysaccharidosis type IIIA. L146P has been observed in cases with relevant disease (PMID: 9554748, 38149346, 38592608). Relevant functional assessments of this variant are available in the literature (PMID: 10727844). L146P has been observed in referenced population frequency databases. In summary, NM_000199.3(SGSH):c.437T>C(L146P) is a missense variant that has functional support for pathogenicity and has been observed more frequently in cases with the relevant disease than in healthy populations. Please note: this variant was assessed in the context of healthy population screening.

Labcorp Genetics (formerly Invitae), Labcorp
Classification: Likely pathogenic for Mucopolysaccharidosis, MPS-III-A. Last evaluated: 2025-08-21. Review status: criteria provided, single submitter. Criteria: Invitae Variant Classification Sherloc (09022015). Collection method: clinical testing. Allele origin: germline.
Comment: This sequence change replaces leucine, which is neutral and non-polar, with proline, which is neutral and non-polar, at codon 146 of the SGSH protein (p.Leu146Pro). This variant is present in population databases (rs749358773, gnomAD 0.0009%). This missense change has been observed in individual(s) with mucopolysaccharidosis type IIIA (PMID: 9554748, 38149346). In at least one individual the data is consistent with being in trans (on the opposite chromosome) from a pathogenic variant. ClinVar contains an entry for this variant (Variation ID: 552534). Invitae Evidence Modeling of protein sequence and biophysical properties (such as structural, functional, and spatial information, amino acid conservation, physicochemical variation, residue mobility, and thermodynamic stability) has been performed for this missense variant. However, the output from this modeling did not meet the statistical confidence thresholds required to predict the impact of this variant on SGSH protein function. Experimental studies have shown that this missense change affects SGSH function (PMID: 10727844). In summary, the currently available evidence indicates that the variant is pathogenic, but additional data are needed to prove that conclusively. Therefore, this variant has been classified as Likely Pathogenic.

Women's Health and Genetics/Laboratory Corporation of America, LabCorp
Classification: Likely pathogenic for Mucopolysaccharidosis, MPS-III-A. Last evaluated: 2025-01-28. Review status: criteria provided, single submitter. Criteria: LabCorp Variant Classification Summary - May 2015. Collection method: clinical testing. Allele origin: germline.
Comment: Variant summary: SGSH c.437T>C (p.Leu146Pro) results in a non-conservative amino acid change located in the Sulfatase, N-terminal domain (IPR000917) of the encoded protein sequence. Three of five in-silico tools predict a damaging effect of the variant on protein function. The variant allele was found at a frequency of 4e-06 in 250638 control chromosomes. c.437T>C has been reported in the literature in a homozygous individual with a severe Mucopolysaccharidosis, MPS-III-A phenotype and in a compound heterozygous individual with late-onset Mucopolysaccharidosis, MPS-III-A (e.g. Di Natale_1998, De Falco_2024). These data indicate that the variant may be associated with disease. At least one publication reports experimental evidence evaluating an impact on protein function and found that the variant results in <10% of normal heparan N-sulfatase activity and Western blot, metabolic labeling, immunofluorescence and RT-PCR analysis indicated that the variant likely results in an unstable protein product (e.g. Esposito_2000). The following publications have been ascertained in the context of this evaluation (PMID: 9554748, 10727844, 38149346). ClinVar contains an entry for this variant (Variation ID: 552534). Based on the evidence outlined above, the variant was classified as likely pathogenic.

Genome-Nilou Lab
Classification: Uncertain significance for Mucopolysaccharidosis, MPS-III-A. Last evaluated: 2021-11-07. Review status: criteria provided, single submitter. Criteria: ACMG Guidelines, 2015. Collection method: clinical testing. Allele origin: germline. Affected: no.

Counsyl
Classification: Uncertain significance for Mucopolysaccharidosis, MPS-III-A. Last evaluated: 2017-06-14. Review status: no assertion criteria provided. Collection method: clinical testing. Allele origin: unknown. Not counted in ClinVar's aggregate classification.

Literature cited by the submitters: PubMed 10727844 (cited by 4 submitters); PubMed 38149346 (cited by 3 submitters); PubMed 38592608 (cited by Myriad Genetics, Inc.); PubMed 9554748 (cited by 4 submitters); PubMed 24816101 (cited by Counsyl).